The following is an entry in ClinVar:

ClinVar aggregate classification (germline): Uncertain significance (1 of 4 stars; one submission).

Conditions:
Niemann-Pick disease, type C1. Also called: NEUROVISCERAL STORAGE DISEASE WITH VERTICAL SUPRANUCLEAR OPHTHALMOPLEGIA; NIEMANN-PICK DISEASE WITH CHOLESTEROL ESTERIFICATION BLOCK; NIEMANN-PICK DISEASE WITHOUT SPHINGOMYELINASE DEFICIENCY; NIEMANN-PICK DISEASE, CHRONIC NEURONOPATHIC FORM; NIEMANN-PICK DISEASE, VARIANT TYPE C1. Identifiers: Orphanet 646, MedGen C3179455, MONDO:0009757, OMIM 257220.

Allele frequency attached by ClinVar (database versions not stated): gnomAD exomes below 0.00001; ExAC 0.00001; gnomAD 0.00003; TOPMed 0.00004; ESP Exome Variant Server 0.00015.
gnomAD v4.1: 7 of 1,576,840 alleles (0.00044%); highest among the groups gnomAD compares: African/African-American, 0.0081%; no homozygotes.

Submission:

Labcorp Genetics (formerly Invitae), Labcorp
Classification: Uncertain significance for Niemann-Pick disease, type C1. Last evaluated: 2022-05-21. Review status: criteria provided, single submitter. Criteria: Invitae Variant Classification Sherloc (09022015). Collection method: clinical testing. Allele origin: germline.
Comment: This sequence change replaces glutamic acid, which is acidic and polar, with lysine, which is basic and polar, at codon 586 of the NPC1 protein (p.Glu586Lys). This variant is present in population databases (rs369753548, gnomAD 0.01%). This variant has not been reported in the literature in individuals affected with NPC1-related conditions. Algorithms developed to predict the effect of missense changes on protein structure and function (SIFT, PolyPhen-2, Align-GVGD) all suggest that this variant is likely to be tolerated. In summary, the available evidence is currently insufficient to determine the role of this variant in disease. Therefore, it has been classified as a Variant of Uncertain Significance.

NM_000271.5(NPC1):c.1756G>A (p.Glu586Lys)

Gene: NPC1 (NPC intracellular cholesterol transporter 1; minus strand). Cytogenetic location: 18q11.2.
Variant type: single nucleotide variant.
Coding change: c.1756G>A on transcript NM_000271.5 (MANE Select); coding-DNA position 1756, G replaced by A.
Protein change: p.Glu586Lys; replaces glutamic acid 586 with lysine.
Molecular consequence: missense variant.
Genome position (GRCh38, 1-based): chr18:23,548,007, C>T on the plus strand (G>A on the coding strand, the complement: NPC1 is on the minus strand). VCF-style: chr18-23548007-C-T. GRCh37 (hg19) VCF-style: chr18-21127971-C-T.
Other names: short protein forms E586K.
Identifiers: ClinVar variation 1388762 (VCV001388762.5), dbSNP rs369753548, ClinGen allele CA8913385.
Genomic context (GRCh38, chr18:23,548,007, plus strand): 5'-GCAAGTGTCTAGCTTCCCACAATGCAAGGACAGTCTGCTCACACCCATGAGTGACTCACT[C>T]TTTTTCCCAGGCCTGGGCCCTCTGGAGCTTCTCTGTATCATTATAGTAATTATTGACAGG-3'
Protein context (NP_000262.2, residues 576-596): KLQRAQAWEK[Glu586Lys]FINFVKNYKN